The following is an entry in ClinVar:

ClinVar aggregate classification (germline): Pathogenic (1 of 4 stars; one submission).

Conditions:
Multiple acyl-CoA dehydrogenase deficiency (MADD). Also called: Glutaric acidemia type II; GA 2; Glutaric Acidemia type 2; ETHYLMALONIC-ADIPICACIDURIA; GA II; Glutaric aciduria, type 2. Identifiers: Orphanet 26791, MedGen C0268596, MONDO:0009282, OMIM 231680.

Submission:

Labcorp Genetics (formerly Invitae), Labcorp
Classification: Pathogenic for Multiple acyl-CoA dehydrogenase deficiency. Last evaluated: 2021-07-21. Review status: criteria provided, single submitter. Criteria: Invitae Variant Classification Sherloc (09022015). Collection method: clinical testing. Allele origin: germline.
Comment: For these reasons, this variant has been classified as Pathogenic. This variant has not been reported in the literature in individuals affected with ETFDH-related conditions. This variant is not present in population databases (ExAC no frequency). This sequence change creates a premature translational stop signal (p.Asn24Lysfs*30) in the ETFDH gene. It is expected to result in an absent or disrupted protein product. Loss-of-function variants in ETFDH are known to be pathogenic (PMID: 16510302, 23785301).

Literature cited by the submitters: PubMed 16510302; PubMed 23785301.

NM_004453.4(ETFDH):c.71dup (p.Asn24fs)

Gene: ETFDH (electron transfer flavoprotein dehydrogenase; plus strand). Cytogenetic location: 4q32.1.
Variant type: Duplication.
Coding change: c.71dup on transcript NM_004453.4 (MANE Select); coding-DNA position 71, one base duplicated (A; older notation c.71dupA).
Protein change: p.Asn24fs; shifts the reading frame from asparagine 24.
Molecular consequence: frameshift variant. On other transcripts: intron variant (1).
Genome position (GRCh38, 1-based): chr4:158,680,503, A duplicated; the last of 5 consecutive A bases (chr4:158,680,499-158,680,503); duplicating any one gives the same sequence. VCF-style (leftmost placement, unchanged base first): chr4-158680498-G-GA. GRCh37 (hg19) VCF-style: chr4-159601650-G-GA.
Other names: c.35-1692dup (NM_001281737.2); short protein forms N24fs.
Identifiers: ClinVar variation 1437786 (VCV001437786.6), dbSNP rs2150304342, ClinGen allele CA2573138094.